The following is an entry in ClinVar:

NM_001111.5(ADAR):c.824G>A (p.Gly275Asp)

Gene: ADAR (adenosine deaminase RNA specific; minus strand). Cytogenetic location: 1q21.3.
Variant type: single nucleotide variant.
Coding change: c.824G>A on transcript NM_001111.5 (MANE Select); coding-DNA position 824, G replaced by A.
Protein change: p.Gly275Asp; replaces glycine 275 with aspartic acid.
Molecular consequence: missense variant. On other transcripts: 5 prime UTR variant (6).
Genome position (GRCh38, 1-based): chr1:154,601,818, C>T on the plus strand (G>A on the coding strand, the complement: ADAR is on the minus strand). VCF-style: chr1-154601818-C-T. GRCh37 (hg19) VCF-style: chr1-154574294-C-T.
Other names: c.-62G>A (NM_001025107.3, NM_001193495.2, NM_001365046.1 and 3 more transcripts); c.851G>A, p.Gly284Asp (NM_001365045.1); c.824G>A, p.Gly275Asp (NM_015840.4, NM_015841.4); short protein forms G275D, G284D.
Identifiers: ClinVar variation 2101233 (VCV002101233.4), dbSNP rs772037083, ClinGen allele CA342599838.

ClinVar aggregate classification (germline): Uncertain significance (1 of 4 stars; one submission).

Conditions:
Symmetrical dyschromatosis of extremities (DSH). Also called: RETICULATE ACROPIGMENTATION OF DOHI; SYMMETRIC DYSCHROMATOSIS OF THE EXTREMITIES; DYSCHROMATOSIS SYMMETRICA HEREDITARIA 1; Dyschromatosis symmetrica hereditaria. Identifiers: Orphanet 41, MedGen C0406775, MONDO:0007483, OMIM 127400.
Aicardi-Goutieres syndrome 6 (AGS6). Identifiers: Orphanet 51, MedGen C3539013, MONDO:0014007, OMIM 615010.

Submission:

Labcorp Genetics (formerly Invitae), Labcorp
Classification: Uncertain significance for Aicardi-Goutieres syndrome 6; Symmetrical dyschromatosis of extremities. Last evaluated: 2022-12-13. Review status: criteria provided, single submitter. Criteria: Invitae Variant Classification Sherloc (09022015). Collection method: clinical testing. Allele origin: germline.
Comment: In summary, the available evidence is currently insufficient to determine the role of this variant in disease. Therefore, it has been classified as a Variant of Uncertain Significance. Algorithms developed to predict the effect of missense changes on protein structure and function (SIFT, PolyPhen-2, Align-GVGD) all suggest that this variant is likely to be tolerated. This variant has not been reported in the literature in individuals affected with ADAR-related conditions. This variant is not present in population databases (gnomAD no frequency). This sequence change replaces glycine, which is neutral and non-polar, with aspartic acid, which is acidic and polar, at codon 275 of the ADAR protein (p.Gly275Asp).